The following is an entry in ClinVar:

NM_000051.4(ATM):c.7456C>G (p.Arg2486Gly)

Genes: ATM (ATM serine/threonine kinase; plus strand), C11orf65 (chromosome 11 open reading frame 65; minus strand). Cytogenetic location: 11q22.3.
Variant type: single nucleotide variant.
Coding change: c.7456C>G on transcript NM_000051.4 (MANE Select); coding-DNA position 7456, C replaced by G.
Protein change: p.Arg2486Gly; replaces arginine 2486 with glycine.
Molecular consequence: missense variant. On other transcripts: intron variant (2).
Genome position (GRCh38, 1-based): chr11:108,330,362, C>G. VCF-style: chr11-108330362-C-G. GRCh37 (hg19) VCF-style: chr11-108201089-C-G.
Other names: c.7456C>G, p.Arg2486Gly (NM_001351834.2); c.641-21291G>C (NM_001330368.2); c.*38+4858G>C (NM_001351110.2); short protein forms R2486G.
Identifiers: ClinVar variation 1503787 (VCV001503787.7), dbSNP rs587779865, ClinGen allele CA382560376.

ClinVar aggregate classification (germline): Uncertain significance (1 of 4 stars; one submission).

Conditions:
Ataxia-telangiectasia syndrome (AT). Also called: LOUIS-BAR SYNDROME; Cerebello-oculocutaneous telangiectasia; Immunodeficiency with ataxia telangiectasia; Ataxia telangiectasia (A-T); Ataxia-telangiectasia, complementation group D; AT, COMPLEMENTATION GROUP C. Identifiers: Orphanet 100, MedGen C0004135, MONDO:0008840, OMIM 208900.

Submission:

Labcorp Genetics (formerly Invitae), Labcorp
Classification: Uncertain significance for Ataxia-telangiectasia syndrome. Last evaluated: 2021-12-30. Review status: criteria provided, single submitter. Criteria: Invitae Variant Classification Sherloc (09022015). Collection method: clinical testing. Allele origin: germline.
Comment: In summary, the available evidence is currently insufficient to determine the role of this variant in disease. Therefore, it has been classified as a Variant of Uncertain Significance. Advanced modeling of protein sequence and biophysical properties (such as structural, functional, and spatial information, amino acid conservation, physicochemical variation, residue mobility, and thermodynamic stability) performed at Invitae indicates that this missense variant is expected to disrupt ATM protein function. This variant has not been reported in the literature in individuals affected with ATM-related conditions. This variant is not present in population databases (gnomAD no frequency). This sequence change replaces arginine, which is basic and polar, with glycine, which is neutral and non-polar, at codon 2486 of the ATM protein (p.Arg2486Gly).